The following is an entry in ClinVar:

NM_001943.5(DSG2):c.803A>G (p.Asn268Ser)

Gene: DSG2 (desmoglein 2; plus strand). Cytogenetic location: 18q12.1.
Variant type: single nucleotide variant.
Coding change: c.803A>G on transcript NM_001943.5 (MANE Select); coding-DNA position 803, A replaced by G.
Protein change: p.Asn268Ser; replaces asparagine 268 with serine.
Molecular consequence: missense variant.
Genome position (GRCh38, 1-based): chr18:31,524,560, A>G. VCF-style: chr18-31524560-A-G. GRCh37 (hg19) VCF-style: chr18-29104523-A-G.
Other names: short protein forms N268S.
Identifiers: ClinVar variation 4614017 (VCV004614017.1).

ClinVar aggregate classification (germline): Uncertain significance (1 of 4 stars; one submission).

Conditions:
Cardiovascular phenotype. Identifiers: MedGen CN230736.

Submission:

Ambry Genetics
Classification: Uncertain significance for Cardiovascular phenotype. Last evaluated: 2025-10-27. Review status: criteria provided, single submitter. Criteria: Ambry Variant Classification Scheme 2023. Collection method: clinical testing. Allele origin: germline.
Comment: The p.N268S variant (also known as c.803A>G), located in coding exon 7 of the DSG2 gene, results from an A to G substitution at nucleotide position 803. The asparagine at codon 268 is replaced by serine, an amino acid with highly similar properties. This amino acid position is conserved. In addition, this alteration is predicted to be tolerated by in silico analysis. Based on the available evidence, the clinical significance of this variant remains unclear.